The following is an entry in ClinVar:

ClinVar aggregate classification (germline): Benign (1 of 4 stars; one submission).

Conditions:
Growth delay due to insulin-like growth factor I resistance. Also called: Somatomedin end-organ insensitivity to; Somatomedin-c resistance to; IGF-1 resistance; IGF-I RESISTANCE; Insulin-Like Growth Factor I Resistance. Identifiers: Orphanet 73273, MedGen C1849157, MONDO:0010038, OMIM 270450.

Allele frequency attached by ClinVar (database versions not stated): gnomAD exomes 0.00220; 1000 Genomes Project 0.01098; gnomAD 0.01172; 1000 Genomes Project 30x 0.01218; TOPMed 0.01323.
gnomAD v4.1: 1,967 of 233,522 alleles (0.84%); highest among the groups gnomAD compares: African/African-American, 4.1%; 37 homozygotes.

Submission:

Illumina Laboratory Services, Illumina
Classification: Benign for Growth delay due to insulin-like growth factor I resistance. Last evaluated: 2018-01-12. Review status: criteria provided, single submitter. Criteria: ICSL Variant Classification Criteria 13 December 2019. Collection method: clinical testing. Allele origin: germline.
Comment: This variant was observed in the ICSL laboratory as part of a predisposition screen in an ostensibly healthy population. It had not been previously curated by ICSL or reported in the Human Gene Mutation Database (HGMD: prior to June 1st, 2018), and was therefore a candidate for classification through an automated scoring system. Utilizing variant allele frequency, disease prevalence and penetrance estimates, and inheritance mode, an automated score was calculated to assess if this variant is too frequent to cause the disease. Based on the score and internal cut-off values, a variant classified as benign is not then subjected to further curation. The score for this variant resulted in a classification of benign for this disease.

NM_000875.5(IGF1R):c.*1724C>T

Gene: IGF1R (insulin like growth factor 1 receptor; plus strand). Cytogenetic location: 15q26.3.
Variant type: single nucleotide variant.
Coding change: c.*1724C>T on transcript NM_000875.5 (MANE Select); 1724 bases downstream of the stop codon, C replaced by T.
Molecular consequence: 3 prime UTR variant.
Genome position (GRCh38, 1-based): chr15:98,959,166, C>T. VCF-style: chr15-98959166-C-T. GRCh37 (hg19) VCF-style: chr15-99502395-C-T.
Other names: c.*1724C>T (NM_001291858.2).
Identifiers: ClinVar variation 317512 (VCV000317512.5), dbSNP rs34718548, ClinGen allele CA10636749.